The following is an entry in ClinVar:

NM_000444.6(PHEX):c.1965+6C>A

Genes: PHEX (phosphate regulating endopeptidase X-linked; plus strand), PTCHD1-AS (PTCHD1 and PHEX antisense RNA; minus strand). Cytogenetic location: Xp22.11.
Variant type: single nucleotide variant.
Coding change: c.1965+6C>A on transcript NM_000444.6 (MANE Select); 6 bases into the intron after coding-DNA position 1965, C replaced by A.
Molecular consequence: intron variant.
Genome position (GRCh38, 1-based): chrX:22,226,514, C>A. VCF-style: chrX-22226514-C-A. GRCh37 (hg19) VCF-style: chrX-22244631-C-A.
Other names: c.1965+6C>A (NM_001282754.2).
Identifiers: ClinVar variation 4721760 (VCV004721760.1).

ClinVar aggregate classification (germline): Uncertain significance (1 of 4 stars; one submission).

gnomAD v4.1: 1 of 1,185,155 alleles (0.000084%); highest among the groups gnomAD compares: Non-Finnish European, 0.00011%; no homozygotes.

Submission:

Labcorp Genetics (formerly Invitae), Labcorp
Classification: Uncertain significance. Last evaluated: 2025-06-19. Review status: criteria provided, single submitter. Criteria: Invitae Variant Classification Sherloc (09022015). Collection method: clinical testing. Allele origin: germline.
Comment: This sequence change falls in intron 19 of the PHEX gene. It does not directly change the encoded amino acid sequence of the PHEX protein. It affects a nucleotide within the consensus splice site. This variant is not present in population databases (gnomAD no frequency). This variant has not been reported in the literature in individuals affected with PHEX-related conditions. Variants that disrupt the consensus splice site are a relatively common cause of aberrant splicing (PMID: 17576681, 9536098). Algorithms developed to predict the effect of sequence changes on RNA splicing suggest that this variant is not likely to affect RNA splicing. In summary, the available evidence is currently insufficient to determine the role of this variant in disease. Therefore, it has been classified as a Variant of Uncertain Significance.

Literature cited by the submitters: PubMed 17576681; PubMed 9536098.